The following is an entry in ClinVar:

ClinVar aggregate classification (germline): Uncertain significance. Review status: criteria provided, multiple submitters, no conflicts (2 of 4 stars). 2 submissions from 2 submitters: Uncertain significance (2). Last evaluated 2024-03-22.

Conditions:
Xanthinuria type II. Also called: Xanthine dehydrogenase and aldehyde oxidase combined deficiency of; XDH and AOX dual deficiency. Identifiers: Orphanet 3467, Orphanet 93602, MedGen C1863688, MONDO:0011346, OMIM 603592.
Hereditary xanthinuria type 1 (XAN1). Identifiers: Orphanet 3467, Orphanet 93601, MedGen C0268118, MONDO:0010209, OMIM 278300.

Allele frequency attached by ClinVar (database versions not stated): ExAC 0.00008.
gnomAD v4.1: 75 of 1,614,036 alleles (0.0046%); highest among the groups gnomAD compares: South Asian, 0.046%; 2 homozygotes.

Submissions (2):

Fulgent Genetics
Classification: Uncertain significance for Hereditary xanthinuria type 1. Last evaluated: 2024-03-22. Review status: criteria provided, single submitter. Criteria: ACMG Guidelines, 2015. Collection method: clinical testing. Allele origin: germline.

Labcorp Genetics (formerly Invitae), Labcorp
Classification: Uncertain significance for Xanthinuria type II. Last evaluated: 2022-04-04. Review status: criteria provided, single submitter. Criteria: Invitae Variant Classification Sherloc (09022015). Collection method: clinical testing. Allele origin: germline.
Comment: This sequence change replaces arginine, which is basic and polar, with histidine, which is basic and polar, at codon 1223 of the XDH protein (p.Arg1223His). This variant is present in population databases (rs762431704, gnomAD 0.05%). This variant has not been reported in the literature in individuals affected with XDH-related conditions. Algorithms developed to predict the effect of missense changes on protein structure and function (SIFT, PolyPhen-2, Align-GVGD) all suggest that this variant is likely to be disruptive. In summary, the available evidence is currently insufficient to determine the role of this variant in disease. Therefore, it has been classified as a Variant of Uncertain Significance.

NM_000379.4(XDH):c.3668G>A (p.Arg1223His)

Gene: XDH (xanthine dehydrogenase; minus strand). Cytogenetic location: 2p23.1.
Variant type: single nucleotide variant.
Coding change: c.3668G>A on transcript NM_000379.4 (MANE Select); coding-DNA position 3668, G replaced by A.
Protein change: p.Arg1223His; replaces arginine 1223 with histidine.
Molecular consequence: missense variant.
Genome position (GRCh38, 1-based): chr2:31,339,595, C>T on the plus strand (G>A on the coding strand, the complement: XDH is on the minus strand). VCF-style: chr2-31339595-C-T. GRCh37 (hg19) VCF-style: chr2-31562461-C-T.
Other names: short protein forms R1223H.
Identifiers: ClinVar variation 1962567 (VCV001962567.3), dbSNP rs762431704, ClinGen allele CA1598301.